The following is an entry in ClinVar:

ClinVar aggregate classification (germline): Uncertain significance (1 of 4 stars; one submission).

Conditions:
Christianson syndrome (MRXSCH). Also called: SLC9A6-Related Syndromic Mental Retardation; X-linked mental retardation, syndromic, Christianson type; INTELLECTUAL DEVELOPMENTAL DISORDER, X-LINKED, SYNDROMIC, CHRISTIANSON TYPE. Identifiers: Orphanet 85278, MedGen C2678194, MONDO:0010278, OMIM 300243.

Submission:

Labcorp Genetics (formerly Invitae), Labcorp
Classification: Uncertain significance for Christianson syndrome. Last evaluated: 2021-08-23. Review status: criteria provided, single submitter. Criteria: Invitae Variant Classification Sherloc (09022015). Collection method: clinical testing. Allele origin: germline.
Comment: This variant is not present in population databases (ExAC no frequency). This sequence change falls in intron 2 of the SLC9A6 gene. It does not directly change the encoded amino acid sequence of the SLC9A6 protein. It affects a nucleotide within the consensus splice site of the intron. This variant has not been reported in the literature in individuals affected with SLC9A6-related conditions. Variants that disrupt the consensus splice site are a relatively common cause of aberrant splicing (PMID: 17576681, 9536098). Algorithms developed to predict the effect of sequence changes on RNA splicing suggest that this variant is not likely to affect RNA splicing. In summary, the available evidence is currently insufficient to determine the role of this variant in disease. Therefore, it has been classified as a Variant of Uncertain Significance.

Literature cited by the submitters: PubMed 17576681; PubMed 9536098.

NM_001379110.1(SLC9A6):c.370-3C>T

Gene: SLC9A6 (solute carrier family 9 member A6; plus strand). Cytogenetic location: Xq26.3.
Variant type: single nucleotide variant.
Coding change: c.370-3C>T on transcript NM_001379110.1 (MANE Select); 3 bases into the intron before coding-DNA position 370, C replaced by T.
Molecular consequence: intron variant.
Genome position (GRCh38, 1-based): chrX:135,998,105, C>T. VCF-style: chrX-135998105-C-T. GRCh37 (hg19) VCF-style: chrX-135080264-C-T.
Other names: c.526-3C>T (NM_001042537.2); c.430-3C>T (NM_006359.3); c.370-3C>T (NM_001177651.2); c.274-3C>T (NM_001330652.2).
Identifiers: ClinVar variation 1377255 (VCV001377255.6), dbSNP rs2148149795, ClinGen allele CA2573159237.